The following is an entry in ClinVar:

ClinVar aggregate classification (germline): Uncertain significance (1 of 4 stars; one submission).

Conditions:
Baller-Gerold syndrome (BGS). Also called: CRANIOSYNOSTOSIS WITH RADIAL DEFECTS. Identifiers: Orphanet 1225, MedGen C0265308, MONDO:0009039, OMIM 218600.

Allele frequency attached by ClinVar (database versions not stated): TOPMed 0.00001.
gnomAD v4.1: 13 of 1,612,354 alleles (0.00081%); highest among the groups gnomAD compares: Middle Eastern, 0.017%; no homozygotes.

Submission:

Labcorp Genetics (formerly Invitae), Labcorp
Classification: Uncertain significance for Baller-Gerold syndrome. Last evaluated: 2023-12-11. Review status: criteria provided, single submitter. Criteria: Invitae Variant Classification Sherloc (09022015). Collection method: clinical testing. Allele origin: germline.
Comment: This sequence change replaces cysteine, which is neutral and slightly polar, with arginine, which is basic and polar, at codon 1052 of the RECQL4 protein (p.Cys1052Arg). This variant is present in population databases (no rsID available, gnomAD 0.003%). This variant has not been reported in the literature in individuals affected with RECQL4-related conditions. ClinVar contains an entry for this variant (Variation ID: 864509). Advanced modeling of protein sequence and biophysical properties (such as structural, functional, and spatial information, amino acid conservation, physicochemical variation, residue mobility, and thermodynamic stability) performed at Invitae indicates that this missense variant is expected to disrupt RECQL4 protein function with a positive predictive value of 80%. In summary, the available evidence is currently insufficient to determine the role of this variant in disease. Therefore, it has been classified as a Variant of Uncertain Significance.

NM_004260.4(RECQL4):c.3154T>C (p.Cys1052Arg)

Gene: RECQL4 (RecQ like helicase 4; minus strand). Cytogenetic location: 8q24.3.
Variant type: single nucleotide variant.
Coding change: c.3154T>C on transcript NM_004260.4 (MANE Select); coding-DNA position 3154, T replaced by C.
Protein change: p.Cys1052Arg; replaces cysteine 1052 with arginine.
Molecular consequence: missense variant.
Genome position (GRCh38, 1-based): chr8:144,512,226, A>G on the plus strand (T>C on the coding strand, the complement: RECQL4 is on the minus strand). VCF-style: chr8-144512226-A-G. GRCh37 (hg19) VCF-style: chr8-145737609-A-G.
Other names: short protein forms C1052R.
Identifiers: ClinVar variation 864509 (VCV000864509.6), dbSNP rs573929442, ClinGen allele CA187679608.